The following is an entry in ClinVar:

ClinVar aggregate classification (germline): Pathogenic/Likely pathogenic. Review status: criteria provided, multiple submitters, no conflicts (2 of 4 stars). 2 submissions from 2 submitters: Pathogenic (1); Likely pathogenic (1). Last evaluated 2022-06-04.

Conditions:
RPGR-related disorder. Also called: RPGR-related condition.
Primary ciliary dyskinesia. Also called: Ciliary dyskinesia. Identifiers: Orphanet 244, MedGen C0008780, MONDO:0016575, HP:0012265.

Submissions (2):

Labcorp Genetics (formerly Invitae), Labcorp
Classification: Pathogenic for Primary ciliary dyskinesia. Last evaluated: 2022-06-04. Review status: criteria provided, single submitter. Criteria: Invitae Variant Classification Sherloc (09022015). Collection method: clinical testing. Allele origin: germline.
Comment: This sequence change creates a premature translational stop signal (p.Glu1006Glyfs*72) in the RPGR (ORF15) gene. While this is not anticipated to result in nonsense mediated decay, it is expected to disrupt the last 147 amino acid(s) of the RPGR (ORF15) protein. This variant is not present in population databases (gnomAD no frequency). This variant has not been reported in the literature in individuals affected with RPGR (ORF15)-related conditions. This variant disrupts a region of the RPGR (ORF15) protein in which other variant(s) (p.Leu1130Lysfs*13) have been determined to be pathogenic (PMID: 22264887; Invitae). This suggests that this is a clinically significant region of the protein, and that variants that disrupt it are likely to be disease-causing. For these reasons, this variant has been classified as Pathogenic.

Blueprint Genetics
Classification: Likely pathogenic for RPGR-related disorders. Last evaluated: 2019-09-06. Review status: criteria provided, single submitter. Criteria: ACMG Guidelines, 2015. Collection method: clinical testing. Allele origin: germline. Affected: yes. Observed: 1 variant allele.

Literature cited by the submitters: PubMed 22264887 (cited by Labcorp Genetics (formerly Invitae), Labcorp).

NM_001034853.2(RPGR):c.3017_3018del (p.Glu1006fs)

Gene: RPGR (retinitis pigmentosa GTPase regulator; minus strand). Cytogenetic location: Xp11.4.
Variant type: Microsatellite.
Coding change: c.3017_3018del on transcript NM_001034853.2 (MANE Select); coding-DNA positions 3017 to 3018, 2 bases deleted (AG; older notation c.3017_3018delAG).
Protein change: p.Glu1006fs; shifts the reading frame from glutamic acid 1006.
Molecular consequence: frameshift variant. On other transcripts: intron variant (8).
Genome position (GRCh38, 1-based): chrX:38,285,981-38,285,982, CT deleted on the plus strand (AG on the coding strand, the reverse complement: RPGR is on the minus strand); deleting any 2 consecutive bases within chrX:38,285,981-38,285,985 gives the same sequence; the c. name uses the placement nearest the transcript's 3' end. VCF-style (leftmost placement, unchanged base first): chrX-38285980-CCT-C. GRCh37 (hg19) VCF-style: chrX-38145233-CCT-C.
Other names: c.1569+4977_1569+4978del (NM_001367249.1, NM_001367250.1); c.1902+1112_1902+1113del (NM_001367245.1); c.1386+4977_1386+4978del (NM_001367251.1); c.1719+1112_1719+1113del (NM_001367246.1); c.1572+4977_1572+4978del (NM_001367247.1); c.1905+1112_1905+1113del (NM_000328.3); c.1602+4977_1602+4978del (NM_001367248.1); short protein forms E1006fs.
Identifiers: ClinVar variation 2069817 (VCV002069817.5), dbSNP rs2519783212, ClinGen allele CA2580616973.